The following is an entry in ClinVar:

ClinVar aggregate classification (germline): Conflicting classifications of pathogenicity. Review status: criteria provided, conflicting classifications (1 of 4 stars). 11 submissions from 11 submitters: Uncertain significance (5); Likely benign (6). Last evaluated 2026-05-01.

Conditions:
MASS syndrome (OCTD). Also called: MASS PHENOTYPE; OVERLAP CONNECTIVE TISSUE DISEASE. Identifiers: MedGen C1858556, MONDO:0011431, OMIM 604308.
Weill-Marchesani syndrome 2, dominant. Also called: Weill-Marchesani Syndrome, Autosomal Dominant; FBN1-Related Weill-Marchesani Syndrome. Identifiers: Orphanet 2084, MedGen C1869115, MONDO:0012013, OMIM 608328.
Geleophysic dysplasia 2 (GPHYSD2). Identifiers: Orphanet 2623, MedGen C3280054, MONDO:0013612, OMIM 614185.
Progeroid and marfanoid aspect-lipodystrophy syndrome. Also called: MARFANOID-PROGEROID SYNDROME; MARFAN-PROGEROID-LIPODYSTROPHY SYNDROME; Marfan lipodystrophy syndrome; MARFANOID-PROGEROID-LIPODYSTROPHY SYNDROME. Identifiers: Orphanet 300382, MedGen C4310796, MONDO:0014831, OMIM 616914.
Marfan syndrome (MFS). Also called: Marfan syndrome type 1; Marfan's syndrome; MARFAN SYNDROME, TYPE I; Marfan syndrome, classic; FBN1-Related Marfan Syndrome. Identifiers: Orphanet 284963, Orphanet 558, MedGen C0024796, MONDO:0007947, OMIM 154700.
Acromicric dysplasia (ACMICD). Also called: Acromicric skeletal dysplasia. Identifiers: Orphanet 969, MedGen C0265287, MONDO:0007055, OMIM 102370.
Ectopia lentis 1, isolated, autosomal dominant (ECTOL1). Identifiers: Orphanet 1885, MedGen C3541518, MONDO:0007514, OMIM 129600.
Stiff skin syndrome (SSKS). Identifiers: Orphanet 2833, MedGen C1861456, MONDO:0008492, OMIM 184900.
Isolated thoracic aortic aneurysm.
Connective tissue disorder. Also called: Connective tissue disease. Identifiers: MedGen C0009782, MONDO:0003900.
Familial thoracic aortic aneurysm and aortic dissection (TAAD). Also called: Thoracic aortic aneurysms and dissections. Identifiers: Orphanet 91387, MedGen C4707243, MONDO:0019625.

Allele frequency attached by ClinVar (database versions not stated): 1000 Genomes Project 30x 0.00141; gnomAD 0.00029; TOPMed 0.00055; 1000 Genomes Project 0.00100; gnomAD exomes 0.00006 and 0.00015; ESP Exome Variant Server 0.00008; ExAC 0.00017.
gnomAD v4.1: 142 of 1,610,216 alleles (0.0088%); highest among the groups gnomAD compares: Admixed American, 0.13%; no homozygotes.

Submissions (11):

CeGaT Center for Human Genetics Tuebingen
Classification: Likely benign. Last evaluated: 2026-05-01. Review status: criteria provided, single submitter. Criteria: CeGaT Center For Human Genetics Tuebingen Variant Classification Criteria Version 2. Collection method: clinical testing. Allele origin: germline. Affected: yes. Observed: 3 variant alleles.
Comment: FBN1: BS1

Labcorp Genetics (formerly Invitae), Labcorp
Classification: Likely benign for Marfan syndrome; Familial thoracic aortic aneurysm and aortic dissection. Last evaluated: 2026-01-26. Review status: criteria provided, single submitter. Criteria: Invitae Variant Classification Sherloc (09022015). Collection method: clinical testing. Allele origin: germline.

Women's Health and Genetics/Laboratory Corporation of America, LabCorp
Classification: Likely benign. Last evaluated: 2025-12-29. Review status: criteria provided, single submitter. Criteria: LabCorp Variant Classification Summary - May 2015. Collection method: clinical testing. Allele origin: germline.
Comment: Variant summary: FBN1 c.4750G>A (p.Glu1584Lys) results in a conservative amino acid change in the encoded protein sequence. Algorithms developed to predict the effect of missense changes on protein structure and function are either unavailable or do not agree on the potential impact of this missense change. Consensus agreement among computation tools predict no significant impact on normal splicing. However, these predictions have yet to be confirmed by functional studies. The variant allele was found at a frequency of 0.00015 in 250528 control chromosomes, predominantly at a frequency of 0.00069 within the Latino subpopulation in the gnomAD database. The observed variant frequency within Latino control individuals in the gnomAD database exceeds the estimated maximal expected allele frequency for disease-causing variants in FBN1. c.4750G>A, has been reported in the literature in individuals affected with connective tissue disorders, including aortopathy, however no supporting evidence for causality was provided (e.g. Abonia_2013, Franken_2017, Li_2021). These report(s) do not provide unequivocal conclusions about association of the variant with Aortopathy and/or FBN1-related conditions. To our knowledge, no experimental evidence demonstrating an impact on protein function has been reported. The following publications have been ascertained in the context of this evaluation (PMID: 23608731, 28468757, 33824467). ClinVar contains an entry for this variant (Variation ID: 42370). Based on the evidence outlined above, the variant was classified as likely benign.

GeneDx
Classification: Uncertain significance. Last evaluated: 2025-12-09. Review status: criteria provided, single submitter. Criteria: GeneDx Variant Classification Process June 2021. Collection method: clinical testing. Allele origin: germline. Affected: yes.
Comment: Identified in a patient with isolated thoracic aortic aneurysm with or without dissection (iTAAD) and in a patient with an inherited connective tissue disorder and eosinophilic esophagitis (PMID: 33824467, 23608731); Reported in two affected relatives from a Columbian family with non-syndromic unilateral cleft lip and palate who underwent exome sequencing (PMID: 27456059); Does not affect a cysteine or calcium-binding residue within an EGF-like domain or a TGF-binding protein domain of the FBN1 gene; cysteine substitutions in the EGF-like domains represent the majority of pathogenic missense changes associated with FBN1-related disorders (PMID: 12938084); In silico analysis supports that this missense variant has a deleterious effect on protein structure/function; This variant is associated with the following publications: (PMID: 33824467, 23608731, 27456059, 33057194, 35982159, 12938084)

Blueprint Genetics
Classification: Likely benign. Last evaluated: 2024-07-10. Review status: criteria provided, single submitter. Criteria: ACMG Guidelines, 2015. Collection method: clinical testing. Allele origin: germline.

Ambry Genetics
Classification: Likely benign for Familial thoracic aortic aneurysm and aortic dissection. Last evaluated: 2024-01-09. Review status: criteria provided, single submitter. Criteria: Ambry Variant Classification Scheme 2023. Collection method: clinical testing. Allele origin: germline.

Genome Diagnostics Laboratory, The Hospital for Sick Children
Classification: Uncertain significance for Connective tissue disorder. Last evaluated: 2020-02-01. Review status: criteria provided, single submitter. Criteria: ACMG Guidelines, 2015. Collection method: clinical testing. Allele origin: germline.

Color Diagnostics, LLC DBA Color Health
Classification: Likely benign for Familial thoracic aortic aneurysm and aortic dissection. Last evaluated: 2018-10-25. Review status: criteria provided, single submitter. Criteria: ACMG Guidelines, 2015. Collection method: clinical testing. Allele origin: germline.

Department of Vascular Biology, Beijing Anzhen Hospital
Classification: Uncertain significance for Isolated thoracic aortic aneurysm. Last evaluated: 2018-09-01. Review status: criteria provided, single submitter. Criteria: ACMG Guidelines, 2015. Collection method: research. Allele origin: germline. Affected: yes.

Fulgent Genetics
Classification: Uncertain significance for Acromicric dysplasia; Ectopia lentis 1, isolated, autosomal dominant; Marfan syndrome; Stiff skin syndrome; MASS syndrome; Weill-Marchesani syndrome 2, dominant; Geleophysic dysplasia 2; Progeroid and marfanoid aspect-lipodystrophy syndrome. Last evaluated: 2017-05-23. Review status: criteria provided, single submitter. Criteria: ACMG Guidelines, 2015. Collection method: clinical testing. Allele origin: unknown.

Laboratory for Molecular Medicine, Mass General Brigham Personalized Medicine
Classification: Uncertain significance. Last evaluated: 2014-04-07. Review status: criteria provided, single submitter. Criteria: LMM Criteria. Collection method: clinical testing. Allele origin: germline. Observed: 4 variant alleles.
Comment: Variant classified as Uncertain Significance - Favor Benign. The Gly1584Lys vari ant in FBN1 has been identified by our laboratory in 2 Hispanic individuals, one with a family history and one with clinical diagnosis of Marfan syndrome. This variant has also been identified in 1.8% (2/110) of Puerto Rican chromosomes by the 1000 Genomes Project (dbSNP rs148888513). Comput ational prediction tools and conservation analysis do not provide strong support for or against an impact to the protein. While this frequency suggests that thi s variant is more likely benign, the number of control individuals is too low to confidently rule out a disease-causing role. Additional information is needed t o fully assess its clinical significance.

Literature cited by the submitters: PubMed 23608731 (cited by Women's Health and Genetics/Laboratory Corporation of America, LabCorp and Ambry Genetics); PubMed 28468757 (cited by Women's Health and Genetics/Laboratory Corporation of America, LabCorp); PubMed 33824467 (cited by Women's Health and Genetics/Laboratory Corporation of America, LabCorp).

NM_000138.5(FBN1):c.4750G>A (p.Glu1584Lys)

Gene: FBN1 (fibrillin 1; minus strand). Cytogenetic location: 15q21.1.
Variant type: single nucleotide variant.
Coding change: c.4750G>A on transcript NM_000138.5 (MANE Select); coding-DNA position 4750, G replaced by A.
Protein change: p.Glu1584Lys; replaces glutamic acid 1584 with lysine.
Molecular consequence: missense variant.
Genome position (GRCh38, 1-based): chr15:48,465,856, C>T on the plus strand (G>A on the coding strand, the complement: FBN1 is on the minus strand). VCF-style: chr15-48465856-C-T. GRCh37 (hg19) VCF-style: chr15-48758053-C-T.
Other names: p.E1584K:GAG>AAG; short protein forms E1584K.
Identifiers: ClinVar variation 42370 (VCV000042370.40), dbSNP rs148888513, ClinGen allele CA015412.